The following is an entry in ClinVar:

ClinVar aggregate classification (germline): Pathogenic (1 of 4 stars; one submission).

Submission:

Labcorp Genetics (formerly Invitae), Labcorp
Classification: Pathogenic. Last evaluated: 2017-12-11. Review status: criteria provided, single submitter. Criteria: Invitae Variant Classification Sherloc (09022015). Collection method: clinical testing. Allele origin: germline.
Comment: This sequence change creates a premature translational stop signal (p.Ala4Argfs*3) in the PUF60 gene. It is expected to result in an absent or disrupted protein product. This variant has not been reported in the literature in individuals with PUF60-related disease. While this variant is not present in population databases, the frequency information is unreliable, as metrics indicate poor data quality at this position in the ExAC database. Loss-of-function variants in PUF60 are known to be pathogenic (PMID: 27804958, 28327570). For these reasons, this variant has been classified as Pathogenic.

Literature cited by the submitters: PubMed 27804958; PubMed 28327570.

NM_078480.3(PUF60):c.10del (p.Ala4fs)

Genes: PUF60 (poly(U) binding splicing factor 60; minus strand), LOC126860549 (MED14-independent group 3 enhancer GRCh37_chr8:144911577-144912776; plus strand). Cytogenetic location: 8q24.3.
Variant type: Deletion.
Coding change: c.10del on transcript NM_078480.3 (MANE Select); coding-DNA position 10, one base deleted (G; older notation c.10delG).
Protein change: p.Ala4fs; shifts the reading frame from alanine 4.
Molecular consequence: frameshift variant.
Genome position (GRCh38, 1-based): chr8:143,829,294, C deleted on the plus strand (G on the coding strand, the reverse complement: PUF60 is on the minus strand); the first of 2 consecutive C bases (chr8:143,829,294-143,829,295); deleting either gives the same sequence. VCF-style (leftmost placement, unchanged base first): chr8-143829293-GC-G. GRCh37 (hg19) VCF-style: chr8-144911463-GC-G.
Other names: c.10del, p.Ala4fs (NM_001271096.2, NM_001271097.2, NM_001271098.2 and 2 more transcripts); short protein forms A4fs.
Identifiers: ClinVar variation 1071986 (VCV001071986.7), dbSNP rs2130480535, ClinGen allele CA2499219147.